The following is an entry in ClinVar:

ClinVar aggregate classification (germline): Uncertain significance (1 of 4 stars; one submission).

Allele frequency attached by ClinVar (database versions not stated): TOPMed 0.00001.

Submission:

Labcorp Genetics (formerly Invitae), Labcorp
Classification: Uncertain significance. Last evaluated: 2021-07-14. Review status: criteria provided, single submitter. Criteria: Invitae Variant Classification Sherloc (09022015). Collection method: clinical testing. Allele origin: germline.
Comment: In summary, the available evidence is currently insufficient to determine the role of this variant in disease. Therefore, it has been classified as a Variant of Uncertain Significance. Algorithms developed to predict the effect of sequence changes on RNA splicing suggest that this variant may disrupt the consensus splice site. This variant has not been reported in the literature in individuals affected with A2ML1-related conditions. This variant is not present in population databases (ExAC no frequency). This sequence change affects an acceptor splice site in intron 4 of the A2ML1 gene. It is expected to disrupt RNA splicing. Variants that disrupt the donor or acceptor splice site typically lead to a loss of protein function (PMID: 16199547), however the current clinical and genetic evidence is not sufficient to establish whether loss-of-function variants in A2ML1 cause disease.

Literature cited by the submitters: PubMed 16199547.

NM_144670.6(A2ML1):c.463-2A>G

Gene: A2ML1 (alpha-2-macroglobulin like 1; plus strand). Cytogenetic location: 12p13.31.
Variant type: single nucleotide variant.
Coding change: c.463-2A>G on transcript NM_144670.6 (MANE Select); the canonical splice acceptor site of the intron before coding-DNA position 463, A replaced by G.
Molecular consequence: splice acceptor variant.
Genome position (GRCh38, 1-based): chr12:8,834,660, A>G. VCF-style: chr12-8834660-A-G. GRCh37 (hg19) VCF-style: chr12-8987256-A-G.
Identifiers: ClinVar variation 1473579 (VCV001473579.6), dbSNP rs1410846189, ClinGen allele CA383820655.